The following is an entry in ClinVar:

NM_003640.5(ELP1):c.2366A>G (p.Glu789Gly)

Gene: ELP1 (elongator acetyltransferase complex subunit 1; minus strand). Cytogenetic location: 9q31.3.
Variant type: single nucleotide variant.
Coding change: c.2366A>G on transcript NM_003640.5 (MANE Select); coding-DNA position 2366, A replaced by G.
Protein change: p.Glu789Gly; replaces glutamic acid 789 with glycine.
Molecular consequence: missense variant.
Genome position (GRCh38, 1-based): chr9:108,897,283, T>C on the plus strand (A>G on the coding strand, the complement: ELP1 is on the minus strand). VCF-style: chr9-108897283-T-C. GRCh37 (hg19) VCF-style: chr9-111659563-T-C.
Other names: c.2024A>G, p.Glu675Gly (NM_001318360.2); c.1319A>G, p.Glu440Gly (NM_001330749.2); short protein forms E440G, E675G, E789G.
Identifiers: ClinVar variation 4813136 (VCV004813136.1).

ClinVar aggregate classification (germline): Uncertain significance (1 of 4 stars; one submission).

Conditions:
Medulloblastoma (MDB). Also called: MEDULLOBLASTOMA PREDISPOSITION SYNDROME; Medulloblastoma, somatic. Identifiers: Orphanet 616, MedGen C0025149, MeSH D008527, MONDO:0007959, OMIM 155255, HP:0002885.

Submission:

St. Jude Molecular Pathology, St. Jude Children's Research Hospital
Classification: Uncertain significance for Medulloblastoma. Last evaluated: 2026-02-11. Review status: criteria provided, single submitter. Criteria: St. Jude Assertion Criteria 2020. Collection method: clinical testing. Allele origin: germline.
Comment: The ELP1 c.2366A>G p.(Glu789Gly) missense change is absent in gnomAD v2.1.1. The in silico tool REVEL is inconclusive about a pathogenic or benign effect of this variant on protein function, and to our knowledge functional studies have not been performed. To our knowledge, this variant has not been reported in individuals with medulloblastoma or familial dysautonomia. In summary, the evidence currently available is insufficient to determine the clinical significance of this variant. It has therefore been classified as of uncertain significance.